The following is an entry in ClinVar:

NM_001025295.3(IFITM5):c.186+6_186+57del

Gene: IFITM5 (interferon induced transmembrane protein 5; minus strand). Cytogenetic location: 11p15.5.
Variant type: Deletion.
Coding change: c.186+6_186+57del on transcript NM_001025295.3 (MANE Select); bases 6 to 57 of the intron after coding-DNA position 186, 52 bases deleted.
Molecular consequence: splice donor variant.
Genome position (GRCh38, 1-based): chr11:299,248-299,299, 52 bases deleted. GRCh37 (hg19): chr11:299,266-299,317.
Identifiers: ClinVar variation 2138248 (VCV002138248.4), dbSNP rs1564845720, ClinGen allele CA597017724.

ClinVar aggregate classification (germline): Uncertain significance (1 of 4 stars; one submission).

Submission:

Labcorp Genetics (formerly Invitae), Labcorp
Classification: Uncertain significance. Last evaluated: 2025-10-03. Review status: criteria provided, single submitter. Criteria: Invitae Variant Classification Sherloc (09022015). Collection method: clinical testing. Allele origin: germline.
Comment: This sequence change falls in intron 1 of the IFITM5 gene. It does not directly change the encoded amino acid sequence of the IFITM5 protein. It affects a nucleotide within the consensus splice site. This variant is present in population databases (no rsID available, gnomAD 0.007%). This variant has not been reported in the literature in individuals affected with IFITM5-related conditions. ClinVar contains an entry for this variant (Variation ID: 2138248). Variants that disrupt the consensus splice site are a relatively common cause of aberrant splicing (PMID: 17576681, 9536098). In summary, the available evidence is currently insufficient to determine the role of this variant in disease. Therefore, it has been classified as a Variant of Uncertain Significance.

Literature cited by the submitters: PubMed 17576681; PubMed 9536098.